The following is an entry in ClinVar:

ClinVar aggregate classification (germline): Uncertain significance (1 of 4 stars; one submission).

Conditions:
Distal myopathy with posterior leg and anterior hand involvement. Also called: WILLIAMS DISTAL MYOPATHY. Identifiers: Orphanet 63273, MedGen C3279722, MONDO:0013550, OMIM 614065.
Hypertrophic cardiomyopathy 26. Also called: Cardiomyopathy, familial hypertrophic, 26. Identifiers: Orphanet 75249, MedGen C4310749, MONDO:0014883, OMIM 617047.
Myofibrillar myopathy 5. Also called: Filaminopathy (type); FILAMINOPATHY, AUTOSOMAL DOMINANT. Identifiers: Orphanet 171445, MedGen C1836050, MONDO:0012289, OMIM 609524.

Submission:

Labcorp Genetics (formerly Invitae), Labcorp
Classification: Uncertain significance for Distal myopathy with posterior leg and anterior hand involvement; Myofibrillar myopathy 5; Hypertrophic cardiomyopathy 26. Last evaluated: 2024-06-17. Review status: criteria provided, single submitter. Criteria: Invitae Variant Classification Sherloc (09022015). Collection method: clinical testing. Allele origin: germline.
Comment: This sequence change replaces leucine, which is neutral and non-polar, with proline, which is neutral and non-polar, at codon 1919 of the FLNC protein (p.Leu1919Pro). This variant is not present in population databases (gnomAD no frequency). This variant has not been reported in the literature in individuals affected with FLNC-related conditions. Advanced modeling of protein sequence and biophysical properties (such as structural, functional, and spatial information, amino acid conservation, physicochemical variation, residue mobility, and thermodynamic stability) has been performed at Invitae for this missense variant, however the output from this modeling did not meet the statistical confidence thresholds required to predict the impact of this variant on FLNC protein function. In summary, the available evidence is currently insufficient to determine the role of this variant in disease. Therefore, it has been classified as a Variant of Uncertain Significance.

NM_001458.5(FLNC):c.5756T>C (p.Leu1919Pro)

Genes: FLNC-AS1 (FLNC antisense RNA 1; minus strand), FLNC (filamin C; plus strand). Cytogenetic location: 7q32.1.
Variant type: single nucleotide variant.
Coding change: c.5756T>C on transcript NM_001458.5 (MANE Select); coding-DNA position 5756, T replaced by C.
Protein change: p.Leu1919Pro; replaces leucine 1919 with proline.
Molecular consequence: missense variant.
Genome position (GRCh38, 1-based): chr7:128,851,542, T>C. VCF-style: chr7-128851542-T-C. GRCh37 (hg19) VCF-style: chr7-128491596-T-C.
Other names: c.5657T>C, p.Leu1886Pro (NM_001127487.2); short protein forms L1886P, L1919P.
Identifiers: ClinVar variation 3756853 (VCV003756853.2).